The following is an entry in ClinVar:

ClinVar aggregate classification (germline): Uncertain significance (1 of 4 stars; one submission).

Allele frequency attached by ClinVar (database versions not stated): TOPMed below 0.00001.

Submission:

Labcorp Genetics (formerly Invitae), Labcorp
Classification: Uncertain significance. Last evaluated: 2021-08-27. Review status: criteria provided, single submitter. Criteria: Invitae Variant Classification Sherloc (09022015). Collection method: clinical testing. Allele origin: germline.
Comment: This sequence change replaces serine with isoleucine at codon 1939 of the SZT2 protein (p.Ser1939Ile). The serine residue is highly conserved and there is a large physicochemical difference between serine and isoleucine. This variant is not present in population databases (ExAC no frequency). This variant has not been reported in the literature in individuals affected with SZT2-related conditions. Algorithms developed to predict the effect of missense changes on protein structure and function (SIFT, PolyPhen-2, Align-GVGD) all suggest that this variant is likely to be disruptive. In summary, the available evidence is currently insufficient to determine the role of this variant in disease. Therefore, it has been classified as a Variant of Uncertain Significance.

NM_001365999.1(SZT2):c.5987G>T (p.Ser1996Ile)

Gene: SZT2 (SZT2 subunit of KICSTOR complex; plus strand). Cytogenetic location: 1p34.2.
Variant type: single nucleotide variant.
Coding change: c.5987G>T on transcript NM_001365999.1 (MANE Select); coding-DNA position 5987, G replaced by T.
Protein change: p.Ser1996Ile; replaces serine 1996 with isoleucine.
Molecular consequence: missense variant.
Genome position (GRCh38, 1-based): chr1:43,435,282, G>T. VCF-style: chr1-43435282-G-T. GRCh37 (hg19) VCF-style: chr1-43900953-G-T.
Other names: c.5816G>T, p.Ser1939Ile (NM_015284.4); short protein forms S1939I, S1996I.
Identifiers: ClinVar variation 1010117 (VCV001010117.6), dbSNP rs1316346657, ClinGen allele CA340027550.